The following is an entry in ClinVar:

NM_000400.4(ERCC2):c.1337C>T (p.Pro446Leu)

Gene: ERCC2 (ERCC excision repair 2, TFIIH core complex helicase subunit; minus strand). Cytogenetic location: 19q13.32.
Variant type: single nucleotide variant.
Coding change: c.1337C>T on transcript NM_000400.4 (MANE Select); coding-DNA position 1337, C replaced by T.
Protein change: p.Pro446Leu; replaces proline 446 with leucine.
Molecular consequence: missense variant.
Genome position (GRCh38, 1-based): chr19:45,357,514, G>A on the plus strand (C>T on the coding strand, the complement: ERCC2 is on the minus strand). VCF-style: chr19-45357514-G-A. GRCh37 (hg19) VCF-style: chr19-45860772-G-A.
Other names: short protein forms P446L.
Identifiers: ClinVar variation 1770266 (VCV001770266.2), dbSNP rs2514013361, ClinGen allele CA406367579.

ClinVar aggregate classification (germline): Uncertain significance (1 of 4 stars; one submission).

Conditions:
Inborn genetic diseases. Identifiers: MedGen C0950123, MeSH D030342.

Submission:

Ambry Genetics
Classification: Uncertain significance for Inborn genetic diseases. Last evaluated: 2021-10-30. Review status: criteria provided, single submitter. Criteria: Ambry Variant Classification Scheme 2023. Collection method: clinical testing. Allele origin: germline.
Comment: The p.P446L variant (also known as c.1337C>T), located in coding exon 14 of the ERCC2 gene, results from a C to T substitution at nucleotide position 1337. The proline at codon 446 is replaced by leucine, an amino acid with similar properties. This amino acid position is conserved. In addition, this alteration is predicted to be deleterious by in silico analysis. Since supporting evidence is limited at this time, the clinical significance of this alteration remains unclear.